The following is an entry in ClinVar:

ClinVar aggregate classification (germline): Likely benign. Review status: criteria provided, multiple submitters, no conflicts (2 of 4 stars). 2 submissions from 2 submitters: Likely benign (2). Last evaluated 2025-11-24.

Conditions:
Tuberous sclerosis 2 (TSC2). Identifiers: Orphanet 805, MedGen C1860707, MONDO:0013199, OMIM 613254.

Submissions (2):

Labcorp Genetics (formerly Invitae), Labcorp
Classification: Likely benign for Tuberous sclerosis 2. Last evaluated: 2025-11-24. Review status: criteria provided, single submitter. Criteria: Invitae Variant Classification Sherloc (09022015). Collection method: clinical testing. Allele origin: germline.

Myriad Genetics, Inc.
Classification: Likely benign for Tuberous sclerosis 2. Last evaluated: 2025-05-19. Review status: criteria provided, single submitter. Criteria: Myriad Autosomal Dominant, Autosomal Recessive and X-Linked Classification Criteria (2023). Collection method: clinical testing. Allele origin: unknown.
Comment: This variant is considered likely benign. This variant is intronic and is not expected to impact mRNA splicing.

NM_000548.5(TSC2):c.2098-12del

Gene: TSC2 (TSC complex subunit 2; plus strand). Cytogenetic location: 16p13.3.
Variant type: Deletion.
Coding change: c.2098-12del on transcript NM_000548.5 (MANE Select); 12 bases into the intron before coding-DNA position 2098, one base deleted (C; older notation c.2098-12delC).
Molecular consequence: intron variant.
Genome position (GRCh38, 1-based): chr16:2,072,229, C deleted; the last of 2 consecutive C bases (chr16:2,072,228-2,072,229); deleting either gives the same sequence. VCF-style (leftmost placement, unchanged base first): chr16-2072227-TC-T. GRCh37 (hg19) VCF-style: chr16-2122228-TC-T.
Other names: c.2098-12del (NM_001370405.1, NM_001363528.2, NM_001370404.1 and 3 more transcripts); c.1987-12del (NM_001318827.2); c.1498-12del (NM_001318831.2); c.1951-12del (NM_001318829.2); c.2131-12del (NM_001318832.2).
Identifiers: ClinVar variation 1658159 (VCV001658159.9), dbSNP rs1567466752, ClinGen allele CA620704873.